The following is an entry in ClinVar:

NM_032043.3(BRIP1):c.2268C>T (p.Leu756=)

Gene: BRIP1 (BRCA1 interacting DNA helicase 1; minus strand). Cytogenetic location: 17q23.2.
Variant type: single nucleotide variant.
Coding change: c.2268C>T on transcript NM_032043.3 (MANE Select); coding-DNA position 2268, C replaced by T.
Protein change: p.Leu756=; no amino-acid change (leucine 756 retained).
Molecular consequence: synonymous variant.
Genome position (GRCh38, 1-based): chr17:61,743,124, G>A on the plus strand (C>T on the coding strand, the complement: BRIP1 is on the minus strand). VCF-style: chr17-61743124-G-A. GRCh37 (hg19) VCF-style: chr17-59820485-G-A.
Identifiers: ClinVar variation 219992 (VCV000219992.10), dbSNP rs864622332, ClinGen allele CA350520.

ClinVar aggregate classification (germline): Benign/Likely benign. Review status: criteria provided, multiple submitters, no conflicts (2 of 4 stars). 2 submissions from 2 submitters: Benign (1); Likely benign (1). Last evaluated 2024-09-04.

Conditions:
Fanconi anemia complementation group J. Also called: BRIP1-Related Fanconi Anemia. Identifiers: Orphanet 84, MedGen C1836860, MONDO:0012187, OMIM 609054.
Familial cancer of breast. Also called: hereditary breast carcinoma; Hereditary breast cancer; BREAST CANCER, FAMILIAL. Identifiers: Orphanet 227535, MedGen C0346153, MONDO:0016419, OMIM 114480. Disease mechanism: loss of function.

Submissions (2):

Myriad Genetics, Inc.
Classification: Benign for Familial cancer of breast. Last evaluated: 2024-09-04. Review status: criteria provided, single submitter. Criteria: Myriad Autosomal Dominant, Autosomal Recessive and X-Linked Classification Criteria (2023). Collection method: clinical testing. Allele origin: unknown.
Comment: This variant is considered benign. This variant is a silent/synonymous amino acid change and it is not expected to impact splicing.

Labcorp Genetics (formerly Invitae), Labcorp
Classification: Likely benign for Familial cancer of breast; Fanconi anemia complementation group J. Last evaluated: 2021-12-07. Review status: criteria provided, single submitter. Criteria: Invitae Variant Classification Sherloc (09022015). Collection method: clinical testing. Allele origin: germline.